The following is an entry in ClinVar:

NM_000443.4(ABCB4):c.1405A>T (p.Arg469Trp)

Gene: ABCB4 (ATP binding cassette subfamily B member 4; minus strand). Cytogenetic location: 7q21.12.
Variant type: single nucleotide variant.
Coding change: c.1405A>T on transcript NM_000443.4 (MANE Select); coding-DNA position 1405, A replaced by T.
Protein change: p.Arg469Trp; replaces arginine 469 with tryptophan.
Molecular consequence: missense variant.
Genome position (GRCh38, 1-based): chr7:87,440,354, T>A on the plus strand (A>T on the coding strand, the complement: ABCB4 is on the minus strand). VCF-style: chr7-87440354-T-A. GRCh37 (hg19) VCF-style: chr7-87069670-T-A.
Other names: c.1405A>T, p.Arg469Trp (NM_018849.3, NM_018850.3); short protein forms R469W.
Identifiers: ClinVar variation 4846604 (VCV004846604.1).

ClinVar aggregate classification (germline): Uncertain significance (1 of 4 stars; one submission).

Conditions:
Low phospholipid associated cholelithiasis (GBD1). Also called: Gallbladder disease 1; Gallstone cholecystitis. Identifiers: Orphanet 69663, MedGen C2609268, MONDO:0010939, OMIM 600803.

Submission:

Genomenon, Inc
Classification: Uncertain significance for Low phospholipid associated cholelithiasis. Last evaluated: 2026-04-14. Review status: criteria provided, single submitter. Criteria: Genomenon Sequence Variant Interpretation Standards - Updated. Collection method: curation. Allele origin: germline. Affected: yes.
Comment: ABCB4 p.Arg469Trp (c.1405A>T) is a missense variant that changes the amino acid at residue 469 from Arginine to Tryptophan. This variant has been observed in at least one proband with an ABCB4-related disorder (PMID:32893960). It is absent or not present at a significant frequency in gnomAD. In silico models predict that this variant is possibly or probably damaging. In conclusion, we classify ABCB4 p.Arg469Trp (c.1405A>T) as a variant of uncertain significance.

Literature cited by the submitters: PubMed 32893960.